The following is an entry in ClinVar:

NM_178140.4(PDZD2):c.3598A>C (p.Ser1200Arg)

Gene: PDZD2 (PDZ domain containing 2; plus strand). Cytogenetic location: 5p13.3.
Variant type: single nucleotide variant.
Coding change: c.3598A>C on transcript NM_178140.4 (MANE Select); coding-DNA position 3598, A replaced by C.
Protein change: p.Ser1200Arg; replaces serine 1200 with arginine.
Molecular consequence: missense variant.
Genome position (GRCh38, 1-based): chr5:32,077,522, A>C. VCF-style: chr5-32077522-A-C. GRCh37 (hg19) VCF-style: chr5-32077628-A-C.
Other names: short protein forms S1200R.
Identifiers: ClinVar variation 3344766 (VCV003344766.1).

ClinVar aggregate classification (germline): Uncertain significance (0 of 4 stars; one submission).

Conditions:
PDZD2-related disorder. Also called: PDZD2-related condition.

Submission:

PreventionGenetics, part of Exact Sciences
Classification: Uncertain significance for PDZD2-related condition. Last evaluated: 2024-06-21. Review status: no assertion criteria provided. Collection method: clinical testing. Allele origin: germline.
Comment: The PDZD2 c.3598A>C variant is predicted to result in the amino acid substitution p.Ser1200Arg. To our knowledge, this variant has not been reported in the literature or in a large population database, indicating this variant is rare. At this time, the clinical significance of this variant is uncertain due to the absence of conclusive functional and genetic evidence.